The following is an entry in ClinVar:

NM_152703.5(SAMD9L):c.533T>G (p.Ile178Arg)

Gene: SAMD9L (sterile alpha motif domain containing 9 like; minus strand). Cytogenetic location: 7q21.2.
Variant type: single nucleotide variant.
Coding change: c.533T>G on transcript NM_152703.5 (MANE Select); coding-DNA position 533, T replaced by G.
Protein change: p.Ile178Arg; replaces isoleucine 178 with arginine.
Molecular consequence: missense variant.
Genome position (GRCh38, 1-based): chr7:93,135,439, A>C on the plus strand (T>G on the coding strand, the complement: SAMD9L is on the minus strand). VCF-style: chr7-93135439-A-C. GRCh37 (hg19) VCF-style: chr7-92764752-A-C.
Other names: c.533T>G, p.Ile178Arg (NM_001303496.3, NM_001303497.3, NM_001303498.3 and 5 more transcripts); short protein forms I178R.
Identifiers: ClinVar variation 5028989 (VCV005028989.1).

ClinVar aggregate classification (germline): Uncertain significance (1 of 4 stars; one submission).

Conditions:
Inborn genetic diseases. Identifiers: MedGen C0950123, MeSH D030342.

Submission:

Ambry Genetics
Classification: Uncertain significance for Inborn genetic diseases. Last evaluated: 2026-09-07. Review status: criteria provided, single submitter. Criteria: Ambry Variant Classification Scheme 2023. Collection method: clinical testing. Allele origin: germline.
Comment: The p.I178R variant (also known as c.533T>G), located in coding exon 1 of the SAMD9L gene, results from a T to G substitution at nucleotide position 533. The isoleucine at codon 178 is replaced by arginine, an amino acid with similar properties. This amino acid position is conserved. In addition, this alteration is predicted to be tolerated by in silico analysis. Based on the available evidence, the clinical significance of this variant remains unclear.